The following is an entry in ClinVar:

NM_004370.6(COL12A1):c.8277T>A (p.Gly2759=)

Gene: COL12A1 (collagen type XII alpha 1 chain; minus strand). Cytogenetic location: 6q13.
Variant type: single nucleotide variant.
Coding change: c.8277T>A on transcript NM_004370.6 (MANE Select); coding-DNA position 8277, T replaced by A.
Protein change: p.Gly2759=; no amino-acid change (glycine 2759 retained).
Molecular consequence: synonymous variant.
Genome position (GRCh38, 1-based): chr6:75,103,799, A>T on the plus strand (T>A on the coding strand, the complement: COL12A1 is on the minus strand). VCF-style: chr6-75103799-A-T. GRCh37 (hg19) VCF-style: chr6-75813515-A-T.
Other names: p.Gly2759=; c.4785T>A, p.Gly1595= (NM_080645.3).
Identifiers: ClinVar variation 1655041 (VCV001655041.11), dbSNP rs187901672, ClinGen allele CA3892323.

ClinVar aggregate classification (germline): Likely benign. Review status: criteria provided, multiple submitters, no conflicts (2 of 4 stars). 3 submissions from 3 submitters: Likely benign (3). Last evaluated 2025-11-13.

Conditions:
Ullrich congenital muscular dystrophy 2 (UCMD2). Identifiers: Orphanet 75840, MedGen C4225314, MONDO:0014654, OMIM 616470.
Bethlem myopathy 2 (BTHLM2). Identifiers: Orphanet 536516, Orphanet 610, MedGen C4225313, MONDO:0034022, OMIM 616471.

Allele frequency attached by ClinVar (database versions not stated): gnomAD exomes below 0.00001; ExAC 0.00002; gnomAD 0.00004; TOPMed 0.00008; 1000 Genomes Project 0.00020; 1000 Genomes Project 30x 0.00031.
gnomAD v4.1: 10 of 1,613,258 alleles (0.00062%); highest among the groups gnomAD compares: Admixed American, 0.015%; no homozygotes.

Submissions (3):

Mayo Clinic Laboratories, Mayo Clinic
Classification: Likely benign. Last evaluated: 2025-11-13. Review status: criteria provided, single submitter. Criteria: ACMG Guidelines, 2015. Collection method: clinical testing. Allele origin: germline. Observed: 1 variant allele.
Comment: BP4, BP7

Labcorp Genetics (formerly Invitae), Labcorp
Classification: Likely benign for Bethlem myopathy 2; Ullrich congenital muscular dystrophy 2. Last evaluated: 2024-08-29. Review status: criteria provided, single submitter. Criteria: Invitae Variant Classification Sherloc (09022015). Collection method: clinical testing. Allele origin: germline.

GeneDx
Classification: Likely benign. Last evaluated: 2021-11-12. Review status: criteria provided, single submitter. Criteria: GeneDx Variant Classification Process June 2021. Collection method: clinical testing. Allele origin: germline. Affected: yes.
Comment: See Variant Classification Assertion Criteria.